The following is an entry in ClinVar:

NM_170601.5(SIAE):c.1340A>G (p.His447Arg)

Gene: SIAE (sialic acid acetylesterase; minus strand). Cytogenetic location: 11q24.2.
Variant type: single nucleotide variant.
Coding change: c.1340A>G on transcript NM_170601.5 (MANE Select); coding-DNA position 1340, A replaced by G.
Protein change: p.His447Arg; replaces histidine 447 with arginine.
Molecular consequence: missense variant.
Genome position (GRCh38, 1-based): chr11:124,637,183, T>C on the plus strand (A>G on the coding strand, the complement: SIAE is on the minus strand). VCF-style: chr11-124637183-T-C. GRCh37 (hg19) VCF-style: chr11-124507079-T-C.
Other names: c.1235A>G, p.His412Arg (NM_001199922.2); short protein forms H412R, H447R.
Identifiers: ClinVar variation 1355182 (VCV001355182.6), dbSNP rs147161431, ClinGen allele CA6341200.

ClinVar aggregate classification (germline): Uncertain significance (1 of 4 stars; one submission).

Allele frequency attached by ClinVar (database versions not stated): gnomAD exomes below 0.00001; ExAC 0.00001; ESP Exome Variant Server 0.00008.

Submission:

Labcorp Genetics (formerly Invitae), Labcorp
Classification: Uncertain significance. Last evaluated: 2021-11-09. Review status: criteria provided, single submitter. Criteria: Invitae Variant Classification Sherloc (09022015). Collection method: clinical testing. Allele origin: germline.
Comment: This sequence change replaces histidine, which is basic and polar, with arginine, which is basic and polar, at codon 447 of the SIAE protein (p.His447Arg). This variant is present in population databases (rs147161431, gnomAD 0.01%). This variant has not been reported in the literature in individuals affected with SIAE-related conditions. Algorithms developed to predict the effect of missense changes on protein structure and function output the following: SIFT: "Tolerated"; PolyPhen-2: "Benign"; Align-GVGD: "Class C0". The arginine amino acid residue is found in multiple mammalian species, which suggests that this missense change does not adversely affect protein function. Experimental studies have shown that this missense change does not substantially affect SIAE function (PMID: 20555325). In summary, the available evidence is currently insufficient to determine the role of this variant in disease. Therefore, it has been classified as a Variant of Uncertain Significance.

Literature cited by the submitters: PubMed 20555325.